The following is an entry in ClinVar:

ClinVar aggregate classification (germline): Uncertain significance (1 of 4 stars; one submission).

Conditions:
Joubert syndrome. Also called: CEREBELLOPARENCHYMAL DISORDER IV; JOUBERT-BOLTSHAUSER SYNDROME; Familial aplasia of the vermis. Identifiers: Orphanet 475, MedGen C5979921, MONDO:0018772.
Nephronophthisis. Also called: Juvenile Nephronophthisis. Identifiers: Orphanet 655, MedGen C0687120, MONDO:0019005, HP:0000090.
Meckel-Gruber syndrome. Also called: DYSENCEPHALIA SPLANCHNOCYSTICA; GRUBER SYNDROME; Dysencephalia splachnocystica. Identifiers: Orphanet 564, MedGen C0265215, MONDO:0018921.

Submission:

Labcorp Genetics (formerly Invitae), Labcorp
Classification: Uncertain significance for Joubert syndrome; Meckel-Gruber syndrome; Nephronophthisis. Last evaluated: 2025-07-14. Review status: criteria provided, single submitter. Criteria: Invitae Variant Classification Sherloc (09022015). Collection method: clinical testing. Allele origin: germline.
Comment: This sequence change replaces lysine, which is basic and polar, with threonine, which is neutral and polar, at codon 1883 of the CEP290 protein (p.Lys1883Thr). This variant is not present in population databases (gnomAD no frequency). This variant has not been reported in the literature in individuals affected with CEP290-related conditions. ClinVar contains an entry for this variant (Variation ID: 2040707). Invitae Evidence Modeling of protein sequence and biophysical properties (such as structural, functional, and spatial information, amino acid conservation, physicochemical variation, residue mobility, and thermodynamic stability) indicates that this missense variant is not expected to disrupt CEP290 protein function with a negative predictive value of 80%. In summary, the available evidence is currently insufficient to determine the role of this variant in disease. Therefore, it has been classified as a Variant of Uncertain Significance.

NM_025114.4(CEP290):c.5648A>C (p.Lys1883Thr)

Gene: CEP290 (centrosomal protein 290; minus strand). Cytogenetic location: 12q21.32.
Variant type: single nucleotide variant.
Coding change: c.5648A>C on transcript NM_025114.4 (MANE Select); coding-DNA position 5648, A replaced by C.
Protein change: p.Lys1883Thr; replaces lysine 1883 with threonine.
Molecular consequence: missense variant.
Genome position (GRCh38, 1-based): chr12:88,077,283, T>G on the plus strand (A>C on the coding strand, the complement: CEP290 is on the minus strand). VCF-style: chr12-88077283-T-G. GRCh37 (hg19) VCF-style: chr12-88471060-T-G.
Other names: short protein forms K1883T.
Identifiers: ClinVar variation 2040707 (VCV002040707.3), dbSNP rs2499841448, ClinGen allele CA385987592.